The following is an entry in ClinVar:

ClinVar aggregate classification (germline): Uncertain significance (1 of 4 stars; one submission).

Conditions:
Fetal akinesia deformation sequence 1 (FADS1). Also called: Fetal akinesia sequence; Pena-Shokeir syndrome type I. Identifiers: Orphanet 994, MedGen C1276035, MONDO:0100101, OMIM 208150, HP:0001989.

Submission:

Baylor Genetics
Classification: Uncertain significance for Fetal akinesia deformation sequence 1. Last evaluated: 2020-06-09. Review status: criteria provided, single submitter. Criteria: ACMG Guidelines, 2015. Collection method: clinical testing. Allele origin: unknown. Affected: yes.
Comment: This variant was determined to be of uncertain significance according to ACMG Guidelines, 2015 [PMID:25741868].

NM_005592.4(MUSK):c.2462T>C (p.Leu821Pro)

Gene: MUSK (muscle associated receptor tyrosine kinase; plus strand). Cytogenetic location: 9q31.3.
Variant type: single nucleotide variant.
Coding change: c.2462T>C on transcript NM_005592.4 (MANE Select); coding-DNA position 2462, T replaced by C.
Protein change: p.Leu821Pro; replaces leucine 821 with proline.
Molecular consequence: missense variant.
Genome position (GRCh38, 1-based): chr9:110,800,840, T>C. VCF-style: chr9-110800840-T-C. GRCh37 (hg19) VCF-style: chr9-113563120-T-C.
Other names: c.2204T>C, p.Leu735Pro (NM_001166280.2); c.2174T>C, p.Leu725Pro (NM_001166281.2); c.1202T>C, p.Leu401Pro (NM_001369398.1); short protein forms L401P, L821P, L735P, L725P.
Identifiers: ClinVar variation 1028403 (VCV001028403.1), dbSNP rs2078085552, ClinGen allele CA374479836.